The following is an entry in ClinVar:

ClinVar aggregate classification (germline): Conflicting classifications of pathogenicity. Review status: criteria provided, conflicting classifications (1 of 4 stars). 2 submissions from 2 submitters: Uncertain significance (1); Likely benign (1). Last evaluated 2025-10-09.

Conditions:
Familial hypobetalipoproteinemia 1. Also called: APOB-Related Familial Hypobetalipoproteinemia; Hypobetalipoproteinemia, normotriglyceridemic; Acanthocytosis with hypobetalipoproteinemia. Identifiers: MedGen C4551990, MONDO:0014252, OMIM 615558.
Hypercholesterolemia, autosomal dominant, type B (FHCL2). Also called: HYPERCHOLESTEROLEMIA, FAMILIAL, DUE TO LIGAND-DEFECTIVE APOLIPOPROTEIN B; Familial hypercholesterolemia 2; APOB-Related Familial Hypercholesterolemia, Autosomal Dominant; Familial Hypercholesterolemia Type B; APOLIPOPROTEIN B-100, FAMILIAL DEFECTIVE; APOLIPOPROTEIN B-100, FAMILIAL LIGAND-DEFECTIVE. Identifiers: MedGen C1704417, MONDO:0007751, OMIM 144010.

Allele frequency attached by ClinVar (database versions not stated): gnomAD exomes below 0.00001.
gnomAD v4.1: 5 of 1,523,378 alleles (0.00033%); highest among the groups gnomAD compares: Non-Finnish European, 0.00044%; no homozygotes.

Submissions (2):

Quest Diagnostics Nichols Institute San Juan Capistrano
Classification: Uncertain significance. Last evaluated: 2025-10-09. Review status: criteria provided, single submitter. Criteria: Quest Diagnostics criteria. Collection method: clinical testing. Allele origin: unknown.
Comment: The APOB c.82+10C>T variant has not been reported in individuals with APOB-related conditions in the published literature. This variant has not been reported in large, multi-ethnic general populations (Genome Aggregation Database). Analysis of this variant using software algorithms for the prediction of the effect of nucleotide changes on splicing yielded predictions that this variant does not affect APOB mRNA splicing. Based on the available information, we are unable to determine the clinical significance of this variant.

Labcorp Genetics (formerly Invitae), Labcorp
Classification: Likely benign for Familial hypobetalipoproteinemia 1; Hypercholesterolemia, autosomal dominant, type B. Last evaluated: 2023-08-22. Review status: criteria provided, single submitter. Criteria: Invitae Variant Classification Sherloc (09022015). Collection method: clinical testing. Allele origin: germline.

NM_000384.3(APOB):c.82+10C>T

Genes: APOB (apolipoprotein B; minus strand), LOC106560211 (APOB 5' regulatory region; plus strand). Cytogenetic location: 2p24.1.
Variant type: single nucleotide variant.
Coding change: c.82+10C>T on transcript NM_000384.3 (MANE Select); 10 bases into the intron after coding-DNA position 82, C replaced by T.
Molecular consequence: intron variant.
Genome position (GRCh38, 1-based): chr2:21,043,854, G>A on the plus strand (C>T on the coding strand, the complement: APOB is on the minus strand). VCF-style: chr2-21043854-G-A. GRCh37 (hg19) VCF-style: chr2-21266726-G-A.
Other names: c.82+10C>T (NM_000384.2).
Identifiers: ClinVar variation 1091996 (VCV001091996.12), dbSNP rs2103390378, ClinGen allele CA2499215586.